The following is an entry in ClinVar:

NM_001009944.3(PKD1):c.10711dup (p.Ala3571fs)

Genes: PKD1 (polycystin 1, transient receptor potential channel interacting; minus strand), PKD1-AS1 (PKD1 antisense RNA 1; plus strand). Cytogenetic location: 16p13.3.
Variant type: Duplication.
Coding change: c.10711dup on transcript NM_001009944.3 (MANE Select); coding-DNA position 10711, one base duplicated (G; older notation c.10711dupG).
Protein change: p.Ala3571fs; shifts the reading frame from alanine 3571.
Molecular consequence: frameshift variant.
Genome position (GRCh38, 1-based): chr16:2,093,921, C duplicated on the plus strand (G on the coding strand, the reverse complement: PKD1 is on the minus strand); the first of 2 consecutive C bases (chr16:2,093,921-2,093,922); duplicating either gives the same sequence. VCF-style (leftmost placement, unchanged base first): chr16-2093920-G-GC. GRCh37 (hg19) VCF-style: chr16-2143921-G-GC.
Other names: c.10708dup, p.Ala3570fs (NM_000296.4); short protein forms A3570fs, A3571fs.
Identifiers: ClinVar variation 3235964 (VCV003235964.1), dbSNP rs2544651236, ClinGen allele CA2825002358.

ClinVar aggregate classification (germline): Pathogenic (1 of 4 stars; one submission).

Conditions:
Polycystic kidney disease, adult type (PKD1). Also called: Polycystic Kidney Disease 1, Autosomal Dominant; Polycystic kidney disease 1; Polycystic kidney disease 1, severe; Polycystic Kidney, Autosomal Dominant; POLYCYSTIC KIDNEY DISEASE 1 WITH OR WITHOUT POLYCYSTIC LIVER DISEASE; POLYCYSTIC KIDNEY DISEASE, ADULT, TYPE I. Identifiers: MedGen C3149841, MONDO:0008263, OMIM 173900.

Submission:

MVZ Medizinische Genetik Mainz
Classification: Pathogenic for Polycystic kidney disease, adult type. Last evaluated: 2022-11-29. Review status: criteria provided, single submitter. Criteria: UK Practice Guidelines For Variant Classification V4 01 2020. Collection method: clinical testing. Allele origin: germline. Inheritance: Autosomal dominant inheritance. Affected: yes. Observed: 1 variant allele.
Comment: ACMG Criteria: PVS1, PM2_SUP, PP4